The following is an entry in ClinVar:

NM_000448.3(RAG1):c.746= (p.His249=)

Gene: RAG1 (recombination activating 1; plus strand). Cytogenetic location: 11p12.
Variant type: single nucleotide variant.
Coding change: c.746= on transcript NM_000448.3 (MANE Select); coding-DNA position 746, no change from the reference sequence.
Protein change: p.His249=; no amino-acid change (histidine 249 retained).
Molecular consequence: no sequence alteration.
Genome position: GRCh38 VCF-style: chr11-36574050-A-A. GRCh37 (hg19) VCF-style: chr11-36595600-A-A.
Other names: p.R249H:CGC>CAC; c.746=, p.His249= (NM_001377277.1, NM_001377278.1, NM_001377279.1 and 3 more transcripts); short protein forms R249H.
Identifiers: ClinVar variation 138883 (VCV000138883.12), dbSNP rs3740955.
Genomic context (GRCh38, chr11:36,574,050, plus strand): 5'-ACTTGCAGCTCAGCAAAAAACTCAAAACTGTGCTTGACCAAGCAAGACAAGCCCGTCAGC[A=]CAAGAGAAGAGCTCAGGCAAGGATCAGCAGCAAGGATGTCATGAAGAAGATCGCCAACTG-3'
Protein context (NP_000439.2, residues 239-259): VLDQARQARQ[His249=]KRRAQARISS

ClinVar aggregate classification (germline): Benign. Review status: criteria provided, multiple submitters, no conflicts (2 of 4 stars). 2 submissions from 2 submitters: Benign (2). Last evaluated 2026-02-04.

Conditions:
Combined immunodeficiency with skin granulomas. Identifiers: Orphanet 157949, MedGen C2673536, MONDO:0009306, OMIM 233650.
Severe combined immunodeficiency, autosomal recessive, T cell-negative, B cell-negative, NK cell-positive. Also called: Severe combined immunodeficiency due to complete RAG1/2 deficiency; SCID, T CELL-NEGATIVE, B CELL-NEGATIVE, NK CELL-POSITIVE; SCID, AR, T-cell negative, B-cell negative, NK cell-positive. Identifiers: Orphanet 331206, MedGen C1832322, MONDO:0011086, OMIM 601457.

Allele frequency attached by ClinVar (database versions not stated): 1000 Genomes Project 0.38658; 1000 Genomes Project 30x 0.38757; TOPMed 0.48251; gnomAD 0.51670 and 0.51789; ESP Exome Variant Server 0.53169; gnomAD exomes 0.54942 and 0.63724; ExAC 0.55298.

Submissions (2):

Labcorp Genetics (formerly Invitae), Labcorp
Classification: Benign for Combined immunodeficiency with skin granulomas; Severe combined immunodeficiency, autosomal recessive, T cell-negative, B cell-negative, NK cell-positive. Last evaluated: 2026-02-04. Review status: criteria provided, single submitter. Criteria: Invitae Variant Classification Sherloc (09022015). Collection method: clinical testing. Allele origin: germline.

GeneDx
Classification: Benign. Last evaluated: 2012-12-11. Review status: criteria provided, single submitter. Criteria: GeneDx Variant Classification (06012015). Collection method: clinical testing. Allele origin: germline. Affected: yes.
Comment: This variant is considered likely benign or benign based on one or more of the following criteria: it is a conservative change, it occurs at a poorly conserved position in the protein, it is predicted to be benign by multiple in silico algorithms, and/or has population frequency not consistent with disease.